The following is an entry in ClinVar:

NM_000152.5(GAA):c.1361G>A (p.Ser454Asn)

Gene: GAA (alpha glucosidase; plus strand). Cytogenetic location: 17q25.3.
Variant type: single nucleotide variant.
Coding change: c.1361G>A on transcript NM_000152.5 (MANE Select); coding-DNA position 1361, G replaced by A.
Protein change: p.Ser454Asn; replaces serine 454 with asparagine.
Molecular consequence: missense variant.
Genome position (GRCh38, 1-based): chr17:80,109,979, G>A. VCF-style: chr17-80109979-G-A. GRCh37 (hg19) VCF-style: chr17-78083778-G-A.
Other names: c.1361G>A, p.Ser454Asn (NM_001079803.3, NM_001079804.3); short protein forms S454N.
Identifiers: ClinVar variation 1445404 (VCV001445404.7), dbSNP rs2039191738, ClinGen allele CA401366372.

ClinVar aggregate classification (germline): Uncertain significance. Review status: criteria provided, multiple submitters, no conflicts (2 of 4 stars). 2 submissions from 2 submitters: Uncertain significance (2). Last evaluated 2024-11-30.

Conditions:
Glycogen storage disease, type II (IOPD). Also called: Glucosidase acid-1,4-alpha deficiency; Pompe Disease; GLYCOGENOSIS, GENERALIZED, CARDIAC FORM; GSD II; POMPE DISEASE, INFANTILE-ONSET; GLYCOGEN STORAGE DISEASE II, INFANTILE-ONSET. Identifiers: Orphanet 365, MedGen C0017921, MONDO:0009290, OMIM 232300.

Allele frequency attached by ClinVar (database versions not stated): gnomAD exomes below 0.00001; gnomAD 0.00001.
gnomAD v4.1: 3 of 1,613,286 alleles (0.00019%); highest among the groups gnomAD compares: Non-Finnish European, 0.00025%; no homozygotes.

Submissions (2):

Labcorp Genetics (formerly Invitae), Labcorp
Classification: Uncertain significance for Glycogen storage disease, type II. Last evaluated: 2024-11-30. Review status: criteria provided, single submitter. Criteria: Invitae Variant Classification Sherloc (09022015). Collection method: clinical testing. Allele origin: germline.
Comment: This sequence change replaces serine, which is neutral and polar, with asparagine, which is neutral and polar, at codon 454 of the GAA protein (p.Ser454Asn). This variant is not present in population databases (gnomAD no frequency). This variant has not been reported in the literature in individuals affected with GAA-related conditions. ClinVar contains an entry for this variant (Variation ID: 1445404). Invitae Evidence Modeling of protein sequence and biophysical properties (such as structural, functional, and spatial information, amino acid conservation, physicochemical variation, residue mobility, and thermodynamic stability) has been performed for this missense variant. However, the output from this modeling did not meet the statistical confidence thresholds required to predict the impact of this variant on GAA protein function. In summary, the available evidence is currently insufficient to determine the role of this variant in disease. Therefore, it has been classified as a Variant of Uncertain Significance.

Fulgent Genetics
Classification: Uncertain significance for Glycogen storage disease, type II. Last evaluated: 2021-08-09. Review status: criteria provided, single submitter. Criteria: ACMG Guidelines, 2015. Collection method: clinical testing. Allele origin: unknown.